The following is an entry in ClinVar:

ClinVar aggregate classification (germline): Uncertain significance (1 of 4 stars; one submission).

Conditions:
Inborn genetic diseases. Identifiers: MedGen C0950123, MeSH D030342.

Submission:

Ambry Genetics
Classification: Uncertain significance for Inborn genetic diseases. Last evaluated: 2025-05-17. Review status: criteria provided, single submitter. Criteria: Ambry Variant Classification Scheme 2023. Collection method: clinical testing. Allele origin: germline.
Comment: The p.D954N variant (also known as c.2860G>A), located in coding exon 13 of the ASXL1 gene, results from a G to A substitution at nucleotide position 2860. The aspartic acid at codon 954 is replaced by asparagine, an amino acid with highly similar properties. This amino acid position is conserved. In addition, this alteration is predicted to be tolerated by in silico analysis. Based on the available evidence, the clinical significance of this variant remains unclear.

NM_015338.6(ASXL1):c.2860G>A (p.Asp954Asn)

Gene: ASXL1 (ASXL transcriptional regulator 1; plus strand). Cytogenetic location: 20q11.21.
Variant type: single nucleotide variant.
Coding change: c.2860G>A on transcript NM_015338.6 (MANE Select); coding-DNA position 2860, G replaced by A.
Protein change: p.Asp954Asn; replaces aspartic acid 954 with asparagine.
Molecular consequence: missense variant.
Genome position (GRCh38, 1-based): chr20:32,435,572, G>A. VCF-style: chr20-32435572-G-A. GRCh37 (hg19) VCF-style: chr20-31023375-G-A.
Other names: c.2677G>A, p.Asp893Asn (NM_001363734.1); short protein forms D893N, D954N.
Identifiers: ClinVar variation 3956990 (VCV003956990.1).